The following is an entry in ClinVar:

NM_001371904.1(APOA5):c.374T>C (p.Leu125Ser)

Gene: APOA5 (apolipoprotein A5; minus strand). Cytogenetic location: 11q23.3.
Variant type: single nucleotide variant.
Coding change: c.374T>C on transcript NM_001371904.1 (MANE Select); coding-DNA position 374, T replaced by C.
Protein change: p.Leu125Ser; replaces leucine 125 with serine.
Molecular consequence: missense variant.
Genome position (GRCh38, 1-based): chr11:116,790,855, A>G on the plus strand (T>C on the coding strand, the complement: APOA5 is on the minus strand). VCF-style: chr11-116790855-A-G. GRCh37 (hg19) VCF-style: chr11-116661571-A-G.
Other names: c.374T>C, p.Leu125Ser (NM_001166598.2, NM_052968.5); short protein forms L125S.
Identifiers: ClinVar variation 4994853 (VCV004994853.1).
Genomic context (GRCh38, chr11:116,790,855, plus strand): 5'-TGCACGCGCAGGGCCACCTGCTCCATCAGATCCATCGTGTAGGGCTTCAGTTGCTGCCGC[A>G]AGCCCTCCAAATTCCAGCCCACCAGCTCGTGCGCCTCTGCCATGTAGGGCTGGAGGCGAG-3'
Protein context (NP_001358833.1, residues 115-135): HELVGWNLEG[Leu125Ser]RQQLKPYTMD

ClinVar aggregate classification (germline): Uncertain significance (1 of 4 stars; one submission).

Conditions:
APOA5-related disorder. Also called: APOA5-related condition.

Submission:

PreventionGenetics, part of Exact Sciences
Classification: Uncertain significance for APOA5-related condition. Last evaluated: 2026-07-28. Review status: criteria provided, single submitter. Criteria: ACMG Guidelines, 2015. Collection method: clinical testing. Allele origin: germline.
Comment: The APOA5 c.374T>C variant is predicted to result in the amino acid substitution p.Leu125Ser. To our knowledge, this variant has not been reported in the literature or in a large population database (gnomAD), indicating this variant is rare. At this time, the clinical significance of this variant is uncertain due to the absence of conclusive functional and genetic evidence.